The following is an entry in ClinVar:

ClinVar aggregate classification (germline): Uncertain significance (1 of 4 stars; one submission).

Conditions:
Emery-Dreifuss muscular dystrophy (EDMD). Also called: Scapuloperoneal syndrome, X-linked (formerly); Humeroperoneal neuromuscular disease, (formerly). Identifiers: Orphanet 261, MedGen C0410189, MONDO:0016830.

gnomAD v4.1: 30 of 1,613,420 alleles (0.0019%); highest among the groups gnomAD compares: Non-Finnish European, 0.0023%; no homozygotes.

Submission:

Labcorp Genetics (formerly Invitae), Labcorp
Classification: Uncertain significance for Emery-Dreifuss muscular dystrophy. Last evaluated: 2024-03-18. Review status: criteria provided, single submitter. Criteria: Invitae Variant Classification Sherloc (09022015). Collection method: clinical testing. Allele origin: germline.
Comment: This sequence change creates a premature translational stop signal (p.Arg486*) in the SUN2 gene. It is expected to result in an absent or disrupted protein product. However, the current clinical and genetic evidence is not sufficient to establish whether loss-of-function variants in SUN2 cause disease. This variant is present in population databases (rs770475003, gnomAD 0.003%). This variant has not been reported in the literature in individuals affected with SUN2-related conditions. In summary, the available evidence is currently insufficient to determine the role of this variant in disease. Therefore, it has been classified as a Variant of Uncertain Significance.

NM_015374.3(SUN2):c.1456C>T (p.Arg486Ter)

Genes: GTPBP1 (GTP binding protein 1; plus strand), SUN2 (Sad1 and UNC84 domain containing 2; minus strand). Cytogenetic location: 22q13.1.
Variant type: single nucleotide variant.
Coding change: c.1456C>T on transcript NM_015374.3 (MANE Select); coding-DNA position 1456, C replaced by T.
Protein change: p.Arg486Ter; replaces arginine 486 with a stop codon.
Molecular consequence: nonsense.
Genome position (GRCh38, 1-based): chr22:38,739,844, G>A on the plus strand (C>T on the coding strand, the complement: SUN2 is on the minus strand). VCF-style: chr22-38739844-G-A. GRCh37 (hg19) VCF-style: chr22-39135849-G-A.
Other names: c.1318C>T, p.Arg440Ter (NM_001394439.1, NM_001394440.1, NM_001394441.1); c.1057C>T, p.Arg353Ter (NM_001394442.1); c.964C>T, p.Arg322Ter (NM_001394443.1); c.880C>T, p.Arg294Ter (NM_001394444.1, NM_001394445.1); c.1456C>T, p.Arg486Ter (NM_001394432.1, NM_001394433.1, NM_001394434.1 and 5 more transcripts); c.1366C>T, p.Arg456Ter (NM_001394438.1); c.1519C>T, p.Arg507Ter (NM_001199579.2, NM_001394428.1); c.1549C>T, p.Arg517Ter (NM_001394427.1); and 1 more; short protein forms R353*, R501*, R294*, R456*, R517*, R322*, R440*, R486*.
Identifiers: ClinVar variation 3665437 (VCV003665437.2).